The following is an entry in ClinVar:

ClinVar aggregate classification (germline): Uncertain significance (1 of 4 stars; one submission).

Submission:

Labcorp Genetics (formerly Invitae), Labcorp
Classification: Uncertain significance. Last evaluated: 2023-09-17. Review status: criteria provided, single submitter. Criteria: Invitae Variant Classification Sherloc (09022015). Collection method: clinical testing. Allele origin: germline.
Comment: In summary, the available evidence is currently insufficient to determine the role of this variant in disease. Therefore, it has been classified as a Variant of Uncertain Significance. Advanced modeling of protein sequence and biophysical properties (such as structural, functional, and spatial information, amino acid conservation, physicochemical variation, residue mobility, and thermodynamic stability) performed at Invitae indicates that this missense variant is expected to disrupt RASA2 protein function. This variant has not been reported in the literature in individuals affected with RASA2-related conditions. This variant is not present in population databases (gnomAD no frequency). This sequence change replaces tyrosine, which is neutral and polar, with aspartic acid, which is acidic and polar, at codon 326 of the RASA2 protein (p.Tyr326Asp).

NM_006506.5(RASA2):c.976T>G (p.Tyr326Asp)

Gene: RASA2 (RAS p21 protein activator 2; plus strand). Cytogenetic location: 3q23.
Variant type: single nucleotide variant.
Coding change: c.976T>G on transcript NM_006506.5 (MANE Select); coding-DNA position 976, T replaced by G.
Protein change: p.Tyr326Asp; replaces tyrosine 326 with aspartic acid.
Molecular consequence: missense variant.
Genome position (GRCh38, 1-based): chr3:141,571,024, T>G. VCF-style: chr3-141571024-T-G. GRCh37 (hg19) VCF-style: chr3-141289866-T-G.
Other names: c.976T>G, p.Tyr326Asp (NM_001303245.3, NM_001303246.3); short protein forms Y326D.
Identifiers: ClinVar variation 2761347 (VCV002761347.3), dbSNP rs2478709710, ClinGen allele CA354775491.
Genomic context (GRCh38, chr3:141,571,024, plus strand): 5'-CTGGGGTCTCTTCGATTAAATATATGTTATACAGAAGACTACGTGCTTCCTTCAGAGTAC[T>G]ATGGTCCTTTGAAAACTTTGCTGCTAAAATCACCAGATGTTCAAGTATGTTAAGAATCTT-3'
Protein context (NP_006497.2, residues 316-336): TEDYVLPSEY[Tyr326Asp]GPLKTLLLKS